The following is an entry in ClinVar:

ClinVar aggregate classification (germline): Pathogenic (1 of 4 stars; one submission).

Conditions:
Hypohidrotic X-linked ectodermal dysplasia (XHED). Also called: ECTODERMAL DYSPLASIA, HYPOHIDROTIC, 1; CST SYNDROME; Ectodermal Dysplasia 1, Anhidrotic; ECTODERMAL DYSPLASIA 1; Anhidrotic ectodermal dysplasia X-linked; Christ Siemens Touraine syndrome. Identifiers: Orphanet 181, Orphanet 238468, MedGen C0162359, MONDO:0010585, OMIM 305100.

Submission:

Labcorp Genetics (formerly Invitae), Labcorp
Classification: Pathogenic for Hypohidrotic X-linked ectodermal dysplasia. Last evaluated: 2021-08-12. Review status: criteria provided, single submitter. Criteria: Invitae Variant Classification Sherloc (09022015). Collection method: clinical testing. Allele origin: germline.
Comment: This variant is a gross deletion of the genomic region encompassing exon(s) 8 of the EDA gene, which includes the termination codon. This deletion extends beyond the assayed region for this gene and therefore may encompass additional genes. While this deletion is not anticipated to lead to nonsense mediated decay, it is expected to alter mRNA translation or result in a truncated protein product. A similar copy number variant has been observed in individual(s) with clinical features of ectodermal dysplasia (Invitae). This variant disrupts the p.Thr378 amino acid residue in EDA. Other variant(s) that disrupt this residue have been determined to be pathogenic (PMID: 11378824, 18384562, 18666859, 21457804, 24648697, 26273176). This suggests that this residue is clinically significant, and that variants that disrupt this residue are likely to be disease-causing. For these reasons, this variant has been classified as Pathogenic.

Literature cited by the submitters: PubMed 11378824; PubMed 18384562; PubMed 18666859; PubMed 21457804; PubMed 24648697; PubMed 26273176.

NC_000023.10:g.(?_69255198)_(69255469_?)del

Gene: EDA (ectodysplasin A; plus strand). Cytogenetic location: Xq13.1.
Variant type: Deletion.
Identifiers: ClinVar variation 1354546 (VCV001354546.5).